The following is an entry in ClinVar:

ClinVar aggregate classification (germline): Uncertain significance (1 of 4 stars; one submission).

Submission:

Labcorp Genetics (formerly Invitae), Labcorp
Classification: Uncertain significance. Last evaluated: 2022-06-20. Review status: criteria provided, single submitter. Criteria: Invitae Variant Classification Sherloc (09022015). Collection method: clinical testing. Allele origin: germline.
Comment: In summary, the available evidence is currently insufficient to determine the role of this variant in disease. Therefore, it has been classified as a Variant of Uncertain Significance. Algorithms developed to predict the effect of missense changes on protein structure and function are either unavailable or do not agree on the potential impact of this missense change (SIFT: "Not Available"; PolyPhen-2: "Probably Damaging"; Align-GVGD: "Not Available"). This variant has not been reported in the literature in individuals affected with UNC80-related conditions. This variant is not present in population databases (gnomAD no frequency). This sequence change replaces isoleucine, which is neutral and non-polar, with phenylalanine, which is neutral and non-polar, at codon 1677 of the UNC80 protein (p.Ile1677Phe).

NM_001371986.1(UNC80):c.5227A>T (p.Ile1743Phe)

Genes: UNC80 (unc-80 subunit of NALCN channel complex; plus strand), LOC126806490 (P300/CBP strongly-dependent group 1 enhancer GRCh37_chr2:210782411-210783610; plus strand). Cytogenetic location: 2q34.
Variant type: single nucleotide variant.
Coding change: c.5227A>T on transcript NM_001371986.1 (MANE Select); coding-DNA position 5227, A replaced by T.
Protein change: p.Ile1743Phe; replaces isoleucine 1743 with phenylalanine.
Molecular consequence: missense variant.
Genome position (GRCh38, 1-based): chr2:209,918,547, A>T. VCF-style: chr2-209918547-A-T. GRCh37 (hg19) VCF-style: chr2-210783271-A-T.
Other names: c.5029A>T, p.Ile1677Phe (NM_032504.2); c.5014A>T, p.Ile1672Phe (NM_182587.4); short protein forms I1743F, I1672F, I1677F.
Identifiers: ClinVar variation 2003080 (VCV002003080.4), dbSNP rs2471128366, ClinGen allele CA350759870.